The following is an entry in ClinVar:

ClinVar aggregate classification (germline): Conflicting classifications of pathogenicity. Review status: criteria provided, conflicting classifications (1 of 4 stars). 3 submissions from 3 submitters: Uncertain significance (1); Likely benign (1). 1 of the submissions does not count toward it. Last evaluated 2026-01-25.

Conditions:
IL2RB-related disorder. Also called: IL2RB-related condition.

Allele frequency attached by ClinVar (database versions not stated): ExAC 0.00045; ESP Exome Variant Server 0.00073; TOPMed 0.00103; gnomAD 0.00105 and 0.00106; 1000 Genomes Project 0.00240; 1000 Genomes Project 30x 0.00281.
gnomAD v4.1: 261 of 1,503,330 alleles (0.017%); highest among the groups gnomAD compares: African/African-American, 0.32%; no homozygotes.

Submissions (3):

Labcorp Genetics (formerly Invitae), Labcorp
Classification: Likely benign. Last evaluated: 2026-01-25. Review status: criteria provided, single submitter. Criteria: Invitae Variant Classification Sherloc (09022015). Collection method: clinical testing. Allele origin: germline.

Blueprint Genetics
Classification: Uncertain significance. Last evaluated: 2024-09-17. Review status: criteria provided, single submitter. Criteria: ACMG Guidelines, 2015. Collection method: clinical testing. Allele origin: germline.

PreventionGenetics, part of Exact Sciences
Classification: Likely benign for IL2RB-related condition. Last evaluated: 2022-12-14. Review status: no assertion criteria provided. Collection method: clinical testing. Allele origin: germline. Not counted in ClinVar's aggregate classification.
Comment: This variant is classified as likely benign based on ACMG/AMP sequence variant interpretation guidelines (Richards et al. 2015 PMID: 25741868, with internal and published modifications).

NM_000878.5(IL2RB):c.1405C>T (p.Pro469Ser)

Gene: IL2RB (interleukin 2 receptor subunit beta; minus strand). Cytogenetic location: 22q12.3.
Variant type: single nucleotide variant.
Coding change: c.1405C>T on transcript NM_000878.5 (MANE Select); coding-DNA position 1405, C replaced by T.
Protein change: p.Pro469Ser; replaces proline 469 with serine.
Molecular consequence: missense variant.
Genome position (GRCh38, 1-based): chr22:37,128,347, G>A on the plus strand (C>T on the coding strand, the complement: IL2RB is on the minus strand). VCF-style: chr22-37128347-G-A. GRCh37 (hg19) VCF-style: chr22-37524387-G-A.
Other names: c.1405C>T, p.Pro469Ser (NM_001346222.1, NM_001346223.2); c.1405C>T (NM_000878.4); short protein forms P469S.
Identifiers: ClinVar variation 1579140 (VCV001579140.11), dbSNP rs200339234, ClinGen allele CA10216334.